The following is an entry in ClinVar:

NM_001024845.3(SLC6A9):c.1537-1_1538dup

Gene: SLC6A9 (solute carrier family 6 member 9; minus strand). Cytogenetic location: 1p34.1.
Variant type: Duplication.
Coding change: c.1537-1_1538dup on transcript NM_001024845.3 (MANE Select); the canonical splice acceptor site of the intron before coding-DNA position 1537 through coding-DNA position 1538, 3 bases duplicated (GTT; older notation c.1537-1_1538dupGTT).
Molecular consequence: splice acceptor variant. On other transcripts: intron variant (1).
Genome position (GRCh38, 1-based): chr1:43,998,024-43,998,026, AAC duplicated on the plus strand (GTT on the coding strand, the reverse complement: SLC6A9 is on the minus strand). VCF-style (leftmost placement, unchanged base first): chr1-43998023-A-AAAC. GRCh37 (hg19) VCF-style: chr1-44463695-A-AAAC.
Other names: c.1204-287_1204-285dup (NM_001328630.2); c.1204-1_1205dup (NM_001328626.2); c.1537-1_1538dup (NM_001328629.1); c.1342-1_1343dup (NM_001328628.1); c.1474-1_1475dup (NM_001328627.1); c.1549-1_1550dup (NM_001261380.2); c.1594-1_1595dup (NM_006934.4); c.1756-1_1757dup (NM_201649.4).
Identifiers: ClinVar variation 3341411 (VCV003341411.1).

ClinVar aggregate classification (germline): Uncertain significance (1 of 4 stars; one submission).

Conditions:
Atypical glycine encephalopathy. Also called: Glycine encephalopathy with normal serum glycine. Identifiers: Orphanet 289863, MedGen C4310943, MONDO:0015010, OMIM 617301.

Submission:

Neuberg Centre For Genomic Medicine, NCGM
Classification: Uncertain significance for Atypical glycine encephalopathy. Last evaluated: 2023-05-20. Review status: criteria provided, single submitter. Criteria: ACMG Guidelines, 2015. Collection method: clinical testing. Allele origin: germline. Inheritance: Autosomal recessive inheritance. Affected: yes.
Comment: The observed inframe insertion c.1537-1_1538dup(p.Phe512_Phe513insLeu) variant in SLC6A9 gene has not been reported previously as a pathogenic variant nor as a benign variant, to our knowledge. This variant is absent in gnomAD Exomes. The insertion of amino acid Leu between amino acids Phe at position 512 and Phe at position 513 changing protein sequence and it might alter its composition and physico-chemical properties. For these reasons, this variant has been classified as Uncertain Significance.